The following is an entry in ClinVar:

ClinVar aggregate classification (germline): Uncertain significance (1 of 4 stars; one submission).

Conditions:
Familial cancer of breast. Also called: hereditary breast carcinoma; Hereditary breast cancer; BREAST CANCER, FAMILIAL. Identifiers: Orphanet 227535, MedGen C0346153, MONDO:0016419, OMIM 114480. Disease mechanism: loss of function.

Submission:

Labcorp Genetics (formerly Invitae), Labcorp
Classification: Uncertain significance for Familial cancer of breast. Last evaluated: 2019-04-19. Review status: criteria provided, single submitter. Criteria: Invitae Variant Classification Sherloc (09022015). Collection method: clinical testing. Allele origin: germline.
Comment: In summary, the available evidence is currently insufficient to determine the role of this variant in disease. Therefore, it has been classified as a Variant of Uncertain Significance. This sequence change replaces aspartic acid with tyrosine at codon 118 of the CHEK2 protein (p.Asp118Tyr). The aspartic acid residue is highly conserved and there is a large physicochemical difference between aspartic acid and tyrosine. This variant is not present in population databases (ExAC no frequency). This variant has not been reported in the literature in individuals with CHEK2-related conditions. Algorithms developed to predict the effect of missense changes on protein structure and function (SIFT, PolyPhen-2, Align-GVGD) all suggest that this variant is likely to be disruptive, but these predictions have not been confirmed by published functional studies and their clinical significance is uncertain. Algorithms developed to predict the effect of sequence changes on RNA splicing suggest that this variant may create or strengthen a splice site, but this prediction has not been confirmed by published transcriptional studies.

NM_007194.4(CHEK2):c.352G>T (p.Asp118Tyr)

Gene: CHEK2 (checkpoint kinase 2; minus strand). Cytogenetic location: 22q12.1.
Variant type: single nucleotide variant.
Coding change: c.352G>T on transcript NM_007194.4 (MANE Select); coding-DNA position 352, G replaced by T.
Protein change: p.Asp118Tyr; replaces aspartic acid 118 with tyrosine.
Molecular consequence: missense variant.
Genome position (GRCh38, 1-based): chr22:28,725,335, C>A on the plus strand (G>T on the coding strand, the complement: CHEK2 is on the minus strand). VCF-style: chr22-28725335-C-A. GRCh37 (hg19) VCF-style: chr22-29121323-C-A.
Other names: c.481G>T, p.Asp161Tyr (NM_001005735.3); c.-426G>T (NM_001257387.3); c.352G>T, p.Asp118Tyr (NM_001349956.3, NM_145862.3); short protein forms D161Y, D118Y.
Identifiers: ClinVar variation 844820 (VCV000844820.10), dbSNP rs2053964532, ClinGen allele CA411108186.
Genomic context (GRCh38, chr22:28,725,335, plus strand): 5'-TTCGGTATTTATCTGTTCTTTTCAGCAGTGGTTCATCAAAGCAATATTCACAGCTTTTGT[C>A]CCTCCCAAACCAGTAGTTGTCATTCACACATTCTGTAATATAAAAGCATGCATCAGAGGG-3'
Protein context (NP_009125.1, residues 108-128): CVNDNYWFGR[Asp118Tyr]KSCEYCFDEP